The following is an entry in ClinVar:

NM_130847.3(AMOTL1):c.527T>G (p.Val176Gly)

Gene: AMOTL1 (angiomotin like 1; plus strand). Cytogenetic location: 11q21.
Variant type: single nucleotide variant.
Coding change: c.527T>G on transcript NM_130847.3 (MANE Select); coding-DNA position 527, T replaced by G.
Protein change: p.Val176Gly; replaces valine 176 with glycine.
Molecular consequence: missense variant.
Genome position (GRCh38, 1-based): chr11:94,799,717, T>G. VCF-style: chr11-94799717-T-G. GRCh37 (hg19) VCF-style: chr11-94532883-T-G.
Other names: c.377T>G, p.Val126Gly (NM_001301007.2); short protein forms V126G, V176G.
Identifiers: ClinVar variation 5040140 (VCV005040140.1).

ClinVar aggregate classification (germline): Uncertain significance (1 of 4 stars; one submission).

Submission:

CeGaT Center for Human Genetics Tuebingen
Classification: Uncertain significance. Last evaluated: 2026-07-01. Review status: criteria provided, single submitter. Criteria: CeGaT Center For Human Genetics Tuebingen Variant Classification Criteria Version 2. Collection method: clinical testing. Allele origin: germline. Affected: yes. Observed: 1 variant allele.
Comment: AMOTL1: PM2, BP4